The following is an entry in ClinVar:

ClinVar aggregate classification (germline): Uncertain significance. Review status: criteria provided, multiple submitters, no conflicts (2 of 4 stars). 2 submissions from 2 submitters: Uncertain significance (2). Last evaluated 2025-10-29.

Conditions:
Inborn genetic diseases. Identifiers: MedGen C0950123, MeSH D030342.

gnomAD v4.1: 7 of 1,614,066 alleles (0.00043%); highest among the groups gnomAD compares: Admixed American, 0.0033%; no homozygotes.

Submissions (2):

Ambry Genetics
Classification: Uncertain significance for Inborn genetic diseases. Last evaluated: 2025-10-29. Review status: criteria provided, single submitter. Criteria: Ambry Variant Classification Scheme 2023. Collection method: clinical testing. Allele origin: germline.

GeneDx
Classification: Uncertain significance. Last evaluated: 2024-04-22. Review status: criteria provided, single submitter. Criteria: GeneDx Variant Classification Process June 2021. Collection method: clinical testing. Allele origin: germline. Affected: yes.
Comment: Not observed at significant frequency in large population cohorts (gnomAD); In silico analysis indicates that this missense variant does not alter protein structure/function; Has not been previously published as pathogenic or benign to our knowledge

NM_016103.4(SAR1B):c.304T>A (p.Cys102Ser)

Gene: SAR1B (secretion associated Ras related GTPase 1B; minus strand). Cytogenetic location: 5q31.1.
Variant type: single nucleotide variant.
Coding change: c.304T>A on transcript NM_016103.4 (MANE Select); coding-DNA position 304, T replaced by A.
Protein change: p.Cys102Ser; replaces cysteine 102 with serine.
Molecular consequence: missense variant.
Genome position (GRCh38, 1-based): chr5:134,609,615, A>T on the plus strand (T>A on the coding strand, the complement: SAR1B is on the minus strand). VCF-style: chr5-134609615-A-T. GRCh37 (hg19) VCF-style: chr5-133945305-A-T.
Other names: c.304T>A, p.Cys102Ser (NM_001033503.3); short protein forms C102S.
Identifiers: ClinVar variation 3372740 (VCV003372740.2).